The following is an entry in ClinVar:

NM_004446.3(EPRS1):c.1124C>T (p.Pro375Leu)

Gene: EPRS1 (glutamyl-prolyl-tRNA synthetase 1; minus strand). Cytogenetic location: 1q41.
Variant type: single nucleotide variant.
Coding change: c.1124C>T on transcript NM_004446.3 (MANE Select); coding-DNA position 1124, C replaced by T.
Protein change: p.Pro375Leu; replaces proline 375 with leucine.
Molecular consequence: missense variant.
Genome position (GRCh38, 1-based): chr1:220,020,213, G>A on the plus strand (C>T on the coding strand, the complement: EPRS1 is on the minus strand). VCF-style: chr1-220020213-G-A. GRCh37 (hg19) VCF-style: chr1-220193555-G-A.
Other names: short protein forms P375L.
Identifiers: ClinVar variation 2817069 (VCV002817069.3), dbSNP rs2528025318, ClinGen allele CA344627007.
Genomic context (GRCh38, chr1:220,020,213, plus strand): 5'-CTCAGGGCATGTGTAACACCTTCGATGCTGTCAACTATGGGGCAGGCAAAATCATATGTT[G>A]GATAAACACTAGAAAAAAAGAAAATAAAATAAACAAAACATTTTACCCTTTCCCTCTTAG-3'
Protein context (NP_004437.2, residues 365-385): PRTGNKYNVY[Pro375Leu]TYDFACPIVD

ClinVar aggregate classification (germline): Uncertain significance (1 of 4 stars; one submission).

Submission:

Labcorp Genetics (formerly Invitae), Labcorp
Classification: Uncertain significance. Last evaluated: 2023-02-16. Review status: criteria provided, single submitter. Criteria: Invitae Variant Classification Sherloc (09022015). Collection method: clinical testing. Allele origin: germline.
Comment: This sequence change replaces proline, which is neutral and non-polar, with leucine, which is neutral and non-polar, at codon 375 of the EPRS protein (p.Pro375Leu). In summary, the available evidence is currently insufficient to determine the role of this variant in disease. Therefore, it has been classified as a Variant of Uncertain Significance. Algorithms developed to predict the effect of sequence changes on RNA splicing suggest that this variant may disrupt the consensus splice site. An algorithm developed to predict the effect of missense changes on protein structure and function (PolyPhen-2) suggests that this variant is likely to be disruptive. This variant has not been reported in the literature in individuals affected with EPRS-related conditions. This variant is not present in population databases (gnomAD no frequency).